The following is an entry in ClinVar:

NM_016239.4(MYO15A):c.8601+2T>G

Gene: MYO15A (myosin XVA; plus strand). Cytogenetic location: 17p11.2.
Variant type: single nucleotide variant.
Coding change: c.8601+2T>G on transcript NM_016239.4 (MANE Select); the canonical splice donor site of the intron after coding-DNA position 8601, T replaced by G.
Molecular consequence: splice donor variant.
Genome position (GRCh38, 1-based): chr17:18,156,338, T>G. VCF-style: chr17-18156338-T-G. GRCh37 (hg19) VCF-style: chr17-18059652-T-G.
Identifiers: ClinVar variation 1705583 (VCV001705583.5), dbSNP rs2545301360, ClinGen allele CA398628822.

ClinVar aggregate classification (germline): Pathogenic. Review status: criteria provided, multiple submitters, no conflicts (2 of 4 stars). 4 submissions from 4 submitters: Pathogenic (4). Last evaluated 2025-12-09.

Conditions:
Autosomal recessive nonsyndromic hearing loss 3. Also called: NEUROSENSORY NONSYNDROMIC RECESSIVE DEAFNESS 3. Identifiers: Orphanet 90636, MedGen C1838263, MONDO:0010860, OMIM 600316.

Submissions (4):

Genetics Research Center, University of Social Welfare and Rehabilitation Sciences
Classification: Pathogenic for Autosomal recessive nonsyndromic hearing loss 3. Last evaluated: 2025-12-09. Review status: criteria provided, single submitter. Criteria: ACMG Guidelines, 2015. Collection method: research. Allele origin: germline. Affected: yes.
Comment: The variant is not present in the gnomAD v2.1.1 dataset and has been previously reported in individual(s) affected with MYO15A-related hearing loss (PMID:32279305, 26445815). This canonical splice-site variant is predicted to alter splicing and lead to a loss or disruption of normal protein function.

ENT and Head and Neck Research Center and Department,  The Five Senses Health Institute, Iran University of Medical Sciences
Classification: Pathogenic for Autosomal recessive nonsyndromic hearing loss 3. Last evaluated: 2024-11-02. Review status: criteria provided, single submitter. Criteria: ClinGen HL ACMG Specifications v1. Collection method: clinical testing. Allele origin: germline. Affected: yes.
Comment: PVS1:Null variant (intronic within ±2 of splice site) in gene MYO15A. Loss-of-function is a known mechanism of disease (gene has 448 reported pathogenic LOF variants)., PM2: Variant not found in gnomAD genomes, good gnomAD genomes coverage = 32.6., PP1: Segregation in one affected relative for recessive, PP5: Combined evidence strength is Moderate (score = 2).Supporting: a VarSome user has classified this variant as Pathogenic, citing 26445815 .Supporting: ClinVar classifies this variant as Likely Pathogenic, 1 star (reviewed Jun '23, 1 submission of which 1 is from high confidence submitter).

3billion
Classification: Pathogenic for Autosomal recessive nonsyndromic hearing loss 3. Last evaluated: 2024-06-20. Review status: criteria provided, single submitter. Criteria: ACMG Guidelines, 2015. Collection method: clinical testing. Allele origin: germline. Affected: yes.
Comment: The variant is not observed in the gnomAD v4.0.0 dataset. Predicted Consequence/Location: Canonical splice site: predicted to alter splicing and result in a loss or disruption of normal protein function. Multiple pathogenic loss-of-function variants are reported downstream of the variant. In silico tools predict the variant to alter splicing and produce an abnormal transcript [SpliceAI: 1.00 (spliceogenicity >=0.2, non-spliceogenicity <0.1)]. The variant has been reported to be associated with MYO15A-related disorder (ClinVar ID: VCV001705583 /3billion dataset). Therefore, this variant is classified as Pathogenic according to the recommendation of ACMG/AMP guideline.

GeneDx
Classification: Pathogenic. Last evaluated: 2023-06-20. Review status: criteria provided, single submitter. Criteria: GeneDx Variant Classification Process June 2021. Collection method: clinical testing. Allele origin: germline. Affected: yes.
Comment: Canonical splice site variant predicted to result in a null allele in a gene for which loss of function is a known mechanism of disease; Not observed at significant frequency in large population cohorts (gnomAD); This variant is associated with the following publications: (PMID: 32279305, 26445815)

Literature cited by the submitters: PubMed 32279305 (cited by Genetics Research Center, University of Social Welfare and Rehabilitation Sciences); PubMed 26445815 (cited by Genetics Research Center, University of Social Welfare and Rehabilitation Sciences); DOI 10.1038/s41598-025-99417-7 (cited by ENT and Head and Neck Research Center and Department,  The Five Senses Health Institute, Iran University of Medical Sciences).